The following is an entry in ClinVar:

ClinVar aggregate classification (germline): Pathogenic/Likely pathogenic. Review status: criteria provided, multiple submitters, no conflicts (2 of 4 stars). 2 submissions from 2 submitters: Pathogenic (1); Likely pathogenic (1). Last evaluated 2024-06-24.

Conditions:
Cobalamin C disease. Also called: Cobalamin-C methylmalonic acidemia and homocystinuria; Methylmalonic acidemia and homocystinuria cblC type; Methylmalonic aciduria and homocystinuria, Vitamin B12-responsive; Vitamin B12 metabolic defect with combined deficiency of methylmalonyl-CoA mutase and homocysteine:methyltetrahydrofolate methyltransferase; methylmalonic aciduria and homocystinuria type cblC; Methylmalonic aciduria with homocystinuria cblC type. Identifiers: Orphanet 26, Orphanet 79282, MedGen C1848561, MONDO:0010184, OMIM 277400.

Submissions (2):

Natera, Inc.
Classification: Likely pathogenic for Methylmalonic aciduria and homocystinuria cblC type. Last evaluated: 2024-06-24. Review status: criteria provided, single submitter. Criteria: Natera Variant Classification Schema (03/2026). Collection method: clinical testing. Allele origin: germline.
Comment: The c.82-2A>G variant in MMACHC is a canonical splice acceptor site variant predicted to affect pre-mRNA splicing, which may result in an abnormal transcript and altered protein product. This variant is expected to result in nonsense mediated decay, truncation, or a dysfunctional protein product. This variant is rare in the general population with a frequency below the threshold expected for the associated phenotype(s). This variant has been observed in one or more individuals affected with the associated recessive disease, as either homozygous or compound heterozygous with a second variant (PMID: 30209273). Given the available evidence, this variant is classified as Likely Pathogenic.

Labcorp Genetics (formerly Invitae), Labcorp
Classification: Pathogenic for Cobalamin C disease. Last evaluated: 2023-10-22. Review status: criteria provided, single submitter. Criteria: Invitae Variant Classification Sherloc (09022015). Collection method: clinical testing. Allele origin: germline.
Comment: This sequence change affects an acceptor splice site in intron 1 of the MMACHC gene. It is expected to disrupt RNA splicing. Variants that disrupt the donor or acceptor splice site typically lead to a loss of protein function (PMID: 16199547), and loss-of-function variants in MMACHC are known to be pathogenic (PMID: 16311595). This variant is not present in population databases (gnomAD no frequency). Disruption of this splice site has been observed in individuals with methylmalonic aciduria and homocystinuria (PMID: 19370762, 30209273). Algorithms developed to predict the effect of sequence changes on RNA splicing suggest that this variant may disrupt the consensus splice site. For these reasons, this variant has been classified as Pathogenic.

Literature cited by the submitters: PubMed 30209273 (cited by Natera, Inc. and Labcorp Genetics (formerly Invitae), Labcorp); PubMed 16199547 (cited by Labcorp Genetics (formerly Invitae), Labcorp); PubMed 16311595 (cited by Labcorp Genetics (formerly Invitae), Labcorp); PubMed 19370762 (cited by Labcorp Genetics (formerly Invitae), Labcorp).

NM_015506.3(MMACHC):c.82-2A>G

Gene: MMACHC (metabolism of cobalamin associated C; plus strand). Cytogenetic location: 1p34.1.
Variant type: single nucleotide variant.
Coding change: c.82-2A>G on transcript NM_015506.3 (MANE Select); the canonical splice acceptor site of the intron before coding-DNA position 82, A replaced by G.
Molecular consequence: splice acceptor variant. On other transcripts: 5 prime UTR variant (1).
Genome position (GRCh38, 1-based): chr1:45,507,354, A>G. VCF-style: chr1-45507354-A-G. GRCh37 (hg19) VCF-style: chr1-45973026-A-G.
Other names: c.82-2A>G (NM_015506.2); c.-92A>G (NM_001330540.2).
Identifiers: ClinVar variation 2883972 (VCV002883972.4), dbSNP rs2522819771, ClinGen allele CA340131346.